The following is an entry in ClinVar:

NM_000026.4(ADSL):c.859A>G (p.Ile287Val)

Gene: ADSL (adenylosuccinate lyase; plus strand). Cytogenetic location: 22q13.1.
Variant type: single nucleotide variant.
Coding change: c.859A>G on transcript NM_000026.4 (MANE Select); coding-DNA position 859, A replaced by G.
Protein change: p.Ile287Val; replaces isoleucine 287 with valine.
Molecular consequence: missense variant. On other transcripts: non-coding transcript variant (1).
Genome position (GRCh38, 1-based): chr22:40,361,339, A>G. VCF-style: chr22-40361339-A-G. GRCh37 (hg19) VCF-style: chr22-40757343-A-G.
Other names: c.859A>G, p.Ile287Val (NM_001123378.3, NM_001363840.3); c.667A>G, p.Ile223Val (NM_001317923.2); short protein forms I287V, I223V.
Identifiers: ClinVar variation 1437877 (VCV001437877.8), dbSNP rs1209918065, ClinGen allele CA411643705.

ClinVar aggregate classification (germline): Conflicting classifications of pathogenicity. Review status: criteria provided, conflicting classifications (1 of 4 stars). 3 submissions from 3 submitters: Likely pathogenic (2); Uncertain significance (1). Last evaluated 2024-09-10.

Conditions:
Adenylosuccinate lyase deficiency (ADSLD). Also called: ADSL DEFICIENCY. Identifiers: Orphanet 46, MedGen C0268126, MONDO:0007068, OMIM 103050.
ADSL-related disorder. Also called: ADSL-related condition.

Allele frequency attached by ClinVar (database versions not stated): gnomAD exomes below 0.00001 and 0.00001; TOPMed below 0.00001.
gnomAD v4.1: 7 of 1,614,080 alleles (0.00043%); highest among the groups gnomAD compares: Non-Finnish European, 0.00042%; no homozygotes.

Submissions (3):

Blueprint Genetics
Classification: Likely pathogenic for ADSL-related disorders. Last evaluated: 2024-09-10. Review status: criteria provided, single submitter. Criteria: ACMG Guidelines, 2015. Collection method: clinical testing. Allele origin: germline. Affected: yes. Observed: 5 variant alleles.

Labcorp Genetics (formerly Invitae), Labcorp
Classification: Uncertain significance for Adenylosuccinate lyase deficiency. Last evaluated: 2021-12-02. Review status: criteria provided, single submitter. Criteria: Invitae Variant Classification Sherloc (09022015). Collection method: clinical testing. Allele origin: germline.
Comment: This sequence change replaces isoleucine, which is neutral and non-polar, with valine, which is neutral and non-polar, at codon 287 of the ADSL protein (p.Ile287Val). In summary, the available evidence is currently insufficient to determine the role of this variant in disease. Therefore, it has been classified as a Variant of Uncertain Significance. Algorithms developed to predict the effect of sequence changes on RNA splicing suggest that this variant may create or strengthen a splice site. Advanced modeling of protein sequence and biophysical properties (such as structural, functional, and spatial information, amino acid conservation, physicochemical variation, residue mobility, and thermodynamic stability) performed at Invitae indicates that this missense variant is not expected to disrupt ADSL protein function. This variant has not been reported in the literature in individuals affected with ADSL-related conditions. This variant is present in population databases (no rsID available, gnomAD 0.004%).

Laboratory of Functional Genomics, Research Centre for Medical Genetics
Classification: Likely pathogenic for Adenylosuccinate lyase deficiency. Review status: criteria provided, single submitter. Criteria: ACMG Guidelines, 2015. Collection method: clinical testing, in vitro, in vivo. Allele origin: maternal, not applicable. Inheritance: Autosomal recessive inheritance. Affected: yes. Observed: 1 compound heterozygote. Functional consequence: effect on RNA splicing.
Comment: The variant has a low frequency of 0.000004337 in the gnomAD v.4.1 database. Analysis of the patient's mRNA combined with in-vitro splicing analysis revealed that that the variant disrupts normal pre-mRNA splicing. Overall, the variant meets the ACMG criteria (PM2, PM3, PS3) to be classified as likely pathogenic.